The following is an entry in ClinVar:

ClinVar aggregate classification (germline): Likely pathogenic (1 of 4 stars; one submission).

Conditions:
Hereditary cancer-predisposing syndrome. Also called: Neoplastic Syndromes, Hereditary; Tumor predisposition; Hereditary Cancer Syndrome; Hereditary neoplastic syndrome. Identifiers: Orphanet 140162, MedGen C0027672, MeSH D009386, MONDO:0015356.

Submission:

Ambry Genetics
Classification: Likely pathogenic for Hereditary cancer-predisposing syndrome. Last evaluated: 2019-09-19. Review status: criteria provided, single submitter. Criteria: Ambry Variant Classification Scheme 2023. Collection method: clinical testing. Allele origin: germline.
Comment: The c.23+1G>C intronic variant results from a G to C substitution one nucleotide after coding exon 1 of the PMS2 gene. Using two different splice site prediction tools, this alteration is predicted by BDGP to abolish the native splice donor site, but is predicted to weaken (but not abolish) the efficiency of the native splice donor site by ESEfinder; however, direct evidence is unavailable. Alterations that disrupt the canonical splice site are expected to cause aberrant splicing, resulting in an abnormal protein or a transcript that is subject to nonsense-mediated mRNA decay. As such, this alteration is classified as likely pathogenic.

NM_000535.7(PMS2):c.23+1G>C

Gene: PMS2 (PMS1 homolog 2, mismatch repair system component; minus strand). Cytogenetic location: 7p22.1.
Variant type: single nucleotide variant.
Coding change: c.23+1G>C on transcript NM_000535.7 (MANE Select); the canonical splice donor site of the intron after coding-DNA position 23, G replaced by C.
Molecular consequence: splice donor variant. On other transcripts: 5 prime UTR variant (8).
Genome position (GRCh38, 1-based): chr7:6,008,996, C>G on the plus strand (G>C on the coding strand, the complement: PMS2 is on the minus strand). VCF-style: chr7-6008996-C-G. GRCh37 (hg19) VCF-style: chr7-6048627-C-G.
Other names: c.23+1G>C (NM_001406869.1, NM_001406873.1, NM_001406871.1 and 11 more transcripts); c.-462+1G>C (NM_001406878.1); c.-550+1G>C (NM_001406891.1); c.-516+1G>C (NM_001406899.1); c.-572G>C (NM_001322005.2); c.-567G>C (NM_001322009.2, NM_001406897.1); c.-651G>C (NM_001406875.1, NM_001406882.1); c.-818G>C (NM_001406877.1); and 19 more.
Identifiers: ClinVar variation 821062 (VCV000821062.4), dbSNP rs587782074, ClinGen allele CA366745216.